The following is an entry in ClinVar:

ClinVar aggregate classification (germline): Uncertain significance (1 of 4 stars; one submission).

Conditions:
Hereditary cancer-predisposing syndrome. Also called: Neoplastic Syndromes, Hereditary; Tumor predisposition; Hereditary neoplastic syndrome; Hereditary Cancer Syndrome. Identifiers: Orphanet 140162, MedGen C0027672, MeSH D009386, MONDO:0015356.

Submission:

Ambry Genetics
Classification: Uncertain significance for Hereditary cancer-predisposing syndrome. Last evaluated: 2024-03-16. Review status: criteria provided, single submitter. Criteria: Ambry Variant Classification Scheme 2023. Collection method: clinical testing. Allele origin: germline.
Comment: The p.V323L variant (also known as c.967G>C), located in coding exon 8 of the SUFU gene, results from a G to C substitution at nucleotide position 967. The valine at codon 323 is replaced by leucine, an amino acid with highly similar properties. This amino acid position is conserved. In addition, this alteration is predicted to be tolerated by in silico analysis. Based on the available evidence, the clinical significance of this alteration remains unclear.

NM_016169.4(SUFU):c.967G>C (p.Val323Leu)

Gene: SUFU (SUFU negative regulator of hedgehog signaling; plus strand). Cytogenetic location: 10q24.32.
Variant type: single nucleotide variant.
Coding change: c.967G>C on transcript NM_016169.4 (MANE Select); coding-DNA position 967, G replaced by C.
Protein change: p.Val323Leu; replaces valine 323 with leucine.
Molecular consequence: missense variant.
Genome position (GRCh38, 1-based): chr10:102,599,489, G>C. VCF-style: chr10-102599489-G-C. GRCh37 (hg19) VCF-style: chr10-104359246-G-C.
Other names: c.967G>C, p.Val323Leu (NM_001178133.2); short protein forms V323L.
Identifiers: ClinVar variation 3323533 (VCV003323533.1).